The following is an entry in ClinVar:

ClinVar aggregate classification (germline): Uncertain significance (1 of 4 stars; one submission).

Allele frequency attached by ClinVar (database versions not stated): TOPMed below 0.00001; gnomAD exomes 0.00002; ESP Exome Variant Server 0.00008; ExAC 0.00010.
gnomAD v4.1: 26 of 1,553,032 alleles (0.0017%); highest among the groups gnomAD compares: Admixed American, 0.0075%; no homozygotes.

Submission:

Labcorp Genetics (formerly Invitae), Labcorp
Classification: Uncertain significance. Last evaluated: 2024-12-02. Review status: criteria provided, single submitter. Criteria: Invitae Variant Classification Sherloc (09022015). Collection method: clinical testing. Allele origin: germline.
Comment: This sequence change falls in intron 9 of the ARHGEF1 gene. It does not directly change the encoded amino acid sequence of the ARHGEF1 protein. It affects a nucleotide within the consensus splice site. This variant is present in population databases (rs374846976, gnomAD 0.009%). This variant has not been reported in the literature in individuals affected with ARHGEF1-related conditions. ClinVar contains an entry for this variant (Variation ID: 2715512). Variants that disrupt the consensus splice site are a relatively common cause of aberrant splicing (PMID: 17576681, 9536098). Algorithms developed to predict the effect of sequence changes on RNA splicing suggest that this variant is not likely to affect RNA splicing. In summary, the available evidence is currently insufficient to determine the role of this variant in disease. Therefore, it has been classified as a Variant of Uncertain Significance.

Literature cited by the submitters: PubMed 17576681; PubMed 9536098.

NM_004706.4(ARHGEF1):c.745-3C>T

Gene: ARHGEF1 (Rho guanine nucleotide exchange factor 1; plus strand). Cytogenetic location: 19q13.2.
Variant type: single nucleotide variant.
Coding change: c.745-3C>T on transcript NM_004706.4 (MANE Select); 3 bases into the intron before coding-DNA position 745, C replaced by T.
Molecular consequence: intron variant.
Genome position (GRCh38, 1-based): chr19:41,894,448, C>T. VCF-style: chr19-41894448-C-T. GRCh37 (hg19) VCF-style: chr19-42398521-C-T.
Other names: c.745-3C>T (NM_001396003.1, NM_001396000.1, NM_001396006.1); c.646-3C>T (NM_001396002.1, NM_198977.2, NM_001396004.1); c.790-3C>T (NM_199002.2).
Identifiers: ClinVar variation 2715512 (VCV002715512.3), dbSNP rs374846976, ClinGen allele CA9466053.